The following is an entry in ClinVar:

NM_003238.6(TGFB2):c.238_239delinsAAG (p.Glu80fs)

Gene: TGFB2 (transforming growth factor beta 2; plus strand). Cytogenetic location: 1q41.
Variant type: Indel.
Coding change: c.238_239delinsAAG on transcript NM_003238.6 (MANE Select); coding-DNA positions 238 to 239, GA replaced by AAG.
Protein change: p.Glu80fs; shifts the reading frame from glutamic acid 80.
Molecular consequence: frameshift variant. On other transcripts: non-coding transcript variant (2).
Genome position (GRCh38, 1-based): chr1:218,346,939-218,346,940, GA replaced by AAG. VCF-style: chr1-218346939-GA-AAG. GRCh37 (hg19) VCF-style: chr1-218520281-GA-AAG.
Other names: c.238_239delinsAAG, p.Glu80fs (NM_001135599.4); short protein forms E80fs.
Identifiers: ClinVar variation 662995 (VCV000662995.10), dbSNP rs1571821003, ClinGen allele CA915944004.
Genomic context (GRCh38, chr1:218,346,939, plus strand): 5'-CCCGAGGAAGTCCCCCCGGAGGTGATTTCCATCTACAACAGCACCAGGGACTTGCTCCAG[GA>AAG]GAAGGCGAGCCGGAGGGCGGCCGCCTGCGAGCGCGAGAGGAGCGACGAAGAGTACTACGC-3'

ClinVar aggregate classification (germline): Pathogenic (1 of 4 stars; one submission).

Conditions:
Loeys-Dietz syndrome 4 (LDS4). Also called: TGFB2-Related Loeys-Dietz Syndrome; ANEURYSM, AORTIC AND CEREBRAL, WITH ARTERIAL TORTUOSITY AND SKELETAL MANIFESTATIONS. Identifiers: MedGen C3553762, MONDO:0013897, OMIM 614816.

Submission:

Labcorp Genetics (formerly Invitae), Labcorp
Classification: Pathogenic for Loeys-Dietz syndrome 4. Last evaluated: 2018-11-20. Review status: criteria provided, single submitter. Criteria: Invitae Variant Classification Sherloc (09022015). Collection method: clinical testing. Allele origin: germline.
Comment: This sequence change creates a premature translational stop signal (p.Lys80Glufs*54) in the TGFB2 gene. It is expected to result in an absent or disrupted protein product. For these reasons, this variant has been classified as Pathogenic. Loss-of-function variants in TGFB2 are known to be pathogenic (PMID: 22772368, 22772371). This variant has not been reported in the literature in individuals with TGFB2-related disease. This variant is not present in population databases (ExAC no frequency).

Literature cited by the submitters: PubMed 22772368; PubMed 22772371.